The following is an entry in ClinVar:

ClinVar aggregate classification (germline): Benign/Likely benign. Review status: criteria provided, multiple submitters, no conflicts (2 of 4 stars). 4 submissions from 4 submitters: Benign (1); Likely benign (3). Last evaluated 2020-07-14.

Conditions:
Polycystic kidney disease 2 (PKD2). Also called: Polycystic Kidney Disease 2, Autosomal Dominant; POLYCYSTIC KIDNEY DISEASE, ADULT, TYPE II; POLYCYSTIC KIDNEY DISEASE 2 WITH OR WITHOUT POLYCYSTIC LIVER DISEASE. Identifiers: MedGen C2751306, MONDO:0013131, OMIM 613095.
Autosomal dominant polycystic kidney disease. Identifiers: Orphanet 730, MedGen C0085413, MONDO:0004691.

Allele frequency attached by ClinVar (database versions not stated): TOPMed 0.01368; 1000 Genomes Project 30x 0.01889; 1000 Genomes Project 0.01977.
gnomAD v4.1: 19,913 of 941,466 alleles (2.1%); highest among the groups gnomAD compares: South Asian, 4.7%; 267 homozygotes.

Submissions (4):

Department of Pathology and Laboratory Medicine, Sinai Health System
Classification: Benign for autosomal dominant polycystic kidney disease. Last evaluated: 2020-07-14. Review status: criteria provided, single submitter. Criteria: ACMG Guidelines, 2015. Collection method: clinical testing. Allele origin: germline.

GeneDx
Classification: Likely benign. Last evaluated: 2019-08-23. Review status: criteria provided, single submitter. Criteria: GeneDx Variant Classification Process June 2021. Collection method: clinical testing. Allele origin: germline. Affected: yes.

Illumina Laboratory Services, Illumina
Classification: Likely benign for Polycystic kidney disease 2. Last evaluated: 2018-01-13. Review status: criteria provided, single submitter. Criteria: ICSL Variant Classification Criteria 13 December 2019. Collection method: clinical testing. Allele origin: germline.
Comment: This variant was observed in the ICSL laboratory as part of a predisposition screen in an ostensibly healthy population. It had not been previously curated by ICSL or reported in the Human Gene Mutation Database (HGMD: prior to June 1st, 2018), and was therefore a candidate for classification through an automated scoring system. Utilizing variant allele frequency, disease prevalence and penetrance estimates, and inheritance mode, an automated score was calculated to assess if this variant is too frequent to cause the disease. Based on the score and internal cut-off values, a variant classified as likely benign is not then subjected to further curation. The score for this variant resulted in a classification of likely benign for this disease.

Breakthrough Genomics
Classification: Likely benign. Review status: criteria provided, single submitter. Criteria: ACMG Guidelines, 2015. Collection method: not provided. Allele origin: germline. Inheritance: Autosomal dominant inheritance. Affected: yes.

NM_000297.4(PKD2):c.-82G>C

Genes: PKD2 (polycystin 2, transient receptor potential cation channel; plus strand), LOC129992813 (ATAC-STARR-seq lymphoblastoid silent region 15559; plus strand). Cytogenetic location: 4q22.1.
Variant type: single nucleotide variant.
Coding change: c.-82G>C on transcript NM_000297.4 (MANE Select); 82 bases upstream of the start codon, G replaced by C.
Molecular consequence: 5 prime UTR variant. On other transcripts: non-coding transcript variant (1).
Genome position (GRCh38, 1-based): chr4:88,007,652, G>C. VCF-style: chr4-88007652-G-C. GRCh37 (hg19) VCF-style: chr4-88928804-G-C.
Identifiers: ClinVar variation 350007 (VCV000350007.10), dbSNP rs529779778, ClinGen allele CA10618543.